The following is an entry in ClinVar:

NM_000321.3(RB1):c.451C>G (p.Leu151Val)

Gene: RB1 (RB transcriptional corepressor 1; plus strand). Cytogenetic location: 13q14.2.
Variant type: single nucleotide variant.
Coding change: c.451C>G on transcript NM_000321.3 (MANE Select); coding-DNA position 451, C replaced by G.
Protein change: p.Leu151Val; replaces leucine 151 with valine.
Molecular consequence: missense variant.
Genome position (GRCh38, 1-based): chr13:48,345,150, C>G. VCF-style: chr13-48345150-C-G. GRCh37 (hg19) VCF-style: chr13-48919286-C-G.
Other names: c.451C>G, p.Leu151Val (NM_001407165.1, NM_001407166.1); short protein forms L151V.
Identifiers: ClinVar variation 2585736 (VCV002585736.6), dbSNP rs2138087578, ClinGen allele CA388252750.

ClinVar aggregate classification (germline): Uncertain significance. Review status: criteria provided, multiple submitters, no conflicts (2 of 4 stars). 3 submissions from 3 submitters: Uncertain significance (3). Last evaluated 2023-09-17.

Conditions:
Hereditary cancer-predisposing syndrome. Also called: Hereditary neoplastic syndrome; Tumor predisposition; Hereditary Cancer Syndrome; Neoplastic Syndromes, Hereditary. Identifiers: Orphanet 140162, MedGen C0027672, MeSH D009386, MONDO:0015356.
Retinoblastoma (RB1). Also called: RETINOBLASTOMA, SOMATIC. Identifiers: Orphanet 790, MedGen C0035335, MeSH D012175, MONDO:0008380, OMIM 180200, HP:0009919. Disease mechanism: loss of function. Inheritance: Both sporadic and heritable forms are tested..

Submissions (3):

All of Us Research Program, National Institutes of Health
Classification: Uncertain significance for Retinoblastoma. Last evaluated: 2023-09-17. Review status: criteria provided, single submitter. Criteria: ACMG Guidelines, 2015. Collection method: clinical testing. Allele origin: germline. Inheritance: Autosomal dominant inheritance. Observed: 1 variant allele, 1 heterozygote.
Comment: This missense variant replaces leucine with valine at codon 151 of the RB1 protein. Computational prediction is inconclusive regarding the impact of this variant on protein structure and function (internally defined REVEL score threshold 0.5 < inconclusive < 0.7, PMID: 27666373). To our knowledge, functional studies have not been reported for this variant. This variant has not been reported in individuals affected with RB1-related disorders in the literature. This variant has not been identified in the general population by the Genome Aggregation Database (gnomAD). The available evidence is insufficient to determine the role of this variant in disease conclusively. Therefore, this variant is classified as a Variant of Uncertain Significance.

This study involves interpretation of variants in research participants for the purpose of population health screening. Participant phenotype was not available at the time of variant classification. Additional details can be found in publication PMID: 35346344, PMCID: PMC8962531

Ambry Genetics
Classification: Uncertain significance for Hereditary cancer-predisposing syndrome. Last evaluated: 2023-08-25. Review status: criteria provided, single submitter. Criteria: Ambry Variant Classification Scheme 2023. Collection method: clinical testing. Allele origin: germline.
Comment: The p.L151V variant (also known as c.451C>G), located in coding exon 4 of the RB1 gene, results from a C to G substitution at nucleotide position 451. The leucine at codon 151 is replaced by valine, an amino acid with highly similar properties. This amino acid position is conserved. In addition, the in silico prediction for this alteration is inconclusive. Since supporting evidence is limited at this time, the clinical significance of this alteration remains unclear.

Labcorp Genetics (formerly Invitae), Labcorp
Classification: Uncertain significance for Retinoblastoma. Last evaluated: 2023-04-07. Review status: criteria provided, single submitter. Criteria: Invitae Variant Classification Sherloc (09022015). Collection method: clinical testing. Allele origin: germline.
Comment: This sequence change replaces leucine, which is neutral and non-polar, with valine, which is neutral and non-polar, at codon 151 of the RB1 protein (p.Leu151Val). This variant has not been reported in the literature in individuals affected with RB1-related conditions. This variant is not present in population databases (gnomAD no frequency). In summary, the available evidence is currently insufficient to determine the role of this variant in disease. Therefore, it has been classified as a Variant of Uncertain Significance. Advanced modeling of protein sequence and biophysical properties (such as structural, functional, and spatial information, amino acid conservation, physicochemical variation, residue mobility, and thermodynamic stability) performed at Invitae indicates that this missense variant is not expected to disrupt RB1 protein function.